The following is an entry in ClinVar:

NM_000027.4(AGA):c.23C>T (p.Pro8Leu)

Gene: AGA (aspartylglucosaminidase; minus strand). Cytogenetic location: 4q34.3.
Variant type: single nucleotide variant.
Coding change: c.23C>T on transcript NM_000027.4 (MANE Select); coding-DNA position 23, C replaced by T.
Protein change: p.Pro8Leu; replaces proline 8 with leucine.
Molecular consequence: missense variant. On other transcripts: non-coding transcript variant (1).
Genome position (GRCh38, 1-based): chr4:177,442,353, G>A on the plus strand (C>T on the coding strand, the complement: AGA is on the minus strand). VCF-style: chr4-177442353-G-A. GRCh37 (hg19) VCF-style: chr4-178363507-G-A.
Other names: c.23C>T, p.Pro8Leu (NM_001171988.2); short protein forms P8L.
Identifiers: ClinVar variation 3704030 (VCV003704030.1).

ClinVar aggregate classification (germline): Uncertain significance (1 of 4 stars; one submission).

Conditions:
Aspartylglucosaminuria (AGU). Also called: Aspartylglucos-aminuria; Aspartylglucos-amidase (AGA) deficiency; AGA DEFICIENCY; GLYCOASPARAGINASE; GLYCOSYLASPARAGINASE DEFICIENCY. Identifiers: Orphanet 93, MedGen C0268225, MONDO:0008830, OMIM 208400, HP:0012068.

gnomAD v4.1: 7 of 1,614,118 alleles (0.00043%); highest among the groups gnomAD compares: African/African-American, 0.0013%; no homozygotes.

Submission:

Labcorp Genetics (formerly Invitae), Labcorp
Classification: Uncertain significance for Aspartylglucosaminuria. Last evaluated: 2024-08-27. Review status: criteria provided, single submitter. Criteria: Invitae Variant Classification Sherloc (09022015). Collection method: clinical testing. Allele origin: germline.
Comment: This sequence change replaces proline, which is neutral and non-polar, with leucine, which is neutral and non-polar, at codon 8 of the AGA protein (p.Pro8Leu). This variant is present in population databases (rs376176025, gnomAD 0.007%). This variant has not been reported in the literature in individuals affected with AGA-related conditions. An algorithm developed to predict the effect of missense changes on protein structure and function outputs the following: PolyPhen-2: "Benign". The leucine amino acid residue is found in multiple mammalian species, which suggests that this missense change does not adversely affect protein function. In summary, the available evidence is currently insufficient to determine the role of this variant in disease. Therefore, it has been classified as a Variant of Uncertain Significance.